The following is an entry in ClinVar:

ClinVar aggregate classification (germline): Uncertain significance. Review status: criteria provided, single submitter (1 of 4 stars). 2 submissions from 2 submitters: Uncertain significance (1). 1 of the submissions does not count toward it. Last evaluated 2026-09-02.

Conditions:
Combined oxidative phosphorylation deficiency 45. Identifiers: MedGen C5436461, MONDO:0033533, OMIM 618951.
Possible mitochondrial disorder - nuclear genes.

Allele frequency attached by ClinVar (database versions not stated): gnomAD exomes 0.00001 and 0.00002; TOPMed 0.00003; gnomAD 0.00005.

Submissions (2):

Genetics Laboratory, Great Ormond Street Hospital NHS Foundation Trust, North Thames Genomic Laboratory Hub
Classification: Uncertain significance for Possible mitochondrial disorder - nuclear genes. Last evaluated: 2026-09-02. Review status: criteria provided, single submitter. Criteria: ACGS Best Practice Guidelines for Variant Classification in Rare Disease 2024 v1.2. Collection method: clinical testing. Allele origin: germline. Affected: yes.
Comment: PM2_moderate, PP3_supporting, PM3_supporting, PP4_supporting

OMIM
Classification: Pathogenic for COMBINED OXIDATIVE PHOSPHORYLATION DEFICIENCY 45 (1 family). Last evaluated: 2020-07-28. Review status: no assertion criteria provided. Collection method: literature only. Allele origin: germline. Not counted in ClinVar's aggregate classification.

Literature cited by the submitters: PubMed 23603806 (cited by OMIM).

NM_002949.4(MRPL12):c.542C>T (p.Ala181Val)

Gene: MRPL12 (mitochondrial ribosomal protein L12; plus strand). Cytogenetic location: 17q25.3.
Variant type: single nucleotide variant.
Coding change: c.542C>T on transcript NM_002949.4 (MANE Select); coding-DNA position 542, C replaced by T.
Protein change: p.Ala181Val; replaces alanine 181 with valine.
Molecular consequence: missense variant.
Genome position (GRCh38, 1-based): chr17:81,707,185, C>T. VCF-style: chr17-81707185-C-T. GRCh37 (hg19) VCF-style: chr17-79674215-C-T.
Other names: short protein forms A181V.
Identifiers: ClinVar variation 973971 (VCV000973971.2), dbSNP rs577290119, ClinGen allele CA295112184.